The following is an entry in ClinVar:

ClinVar aggregate classification (germline): Likely benign (0 of 4 stars; one submission).

Conditions:
PKHD1-related disorder. Also called: PKHD1-related condition.

Submission:

PreventionGenetics, part of Exact Sciences
Classification: Likely benign for PKHD1-related condition. Last evaluated: 2022-11-25. Review status: no assertion criteria provided. Collection method: clinical testing. Allele origin: germline.
Comment: This variant is classified as likely benign based on ACMG/AMP sequence variant interpretation guidelines (Richards et al. 2015 PMID: 25741868, with internal and published modifications).

NM_138694.4(PKHD1):c.976+8A>G

Gene: PKHD1 (PKHD1 ciliary IPT domain containing fibrocystin/polyductin; minus strand). Cytogenetic location: 6p12.2.
Variant type: single nucleotide variant.
Coding change: c.976+8A>G on transcript NM_138694.4 (MANE Select); 8 bases into the intron after coding-DNA position 976, A replaced by G.
Molecular consequence: intron variant.
Genome position (GRCh38, 1-based): chr6:52,064,947, T>C on the plus strand (A>G on the coding strand, the complement: PKHD1 is on the minus strand). VCF-style: chr6-52064947-T-C. GRCh37 (hg19) VCF-style: chr6-51929745-T-C.
Other names: c.976+8A>G (NM_170724.3).
Identifiers: ClinVar variation 3051324 (VCV003051324.2), dbSNP rs2533476632, ClinGen allele CA2679086295.
Genomic context (GRCh38, chr6:52,064,947, plus strand): 5'-TCTACTCGCCAGCCCATCATGATTAAAGATATTCAGAGTTTATTGAACAGCCCTGGTGGC[T>C]TCCTTACCTGGCTGAGGGGTGGTGAGCCTCACATCTTTTCCTGGAGCCCGAGTGGTGCAC-3'